The following is an entry in ClinVar:

NM_001330288.2(SMARCC2):c.3187dup (p.Gln1063fs)

Gene: SMARCC2 (SWI/SNF related BAF chromatin remodeling complex subunit C2; minus strand). Cytogenetic location: 12q13.2.
Variant type: Duplication.
Coding change: c.3187dup on transcript NM_001330288.2 (MANE Select); coding-DNA position 3187, one base duplicated (C; older notation c.3187dupC).
Protein change: p.Gln1063fs; shifts the reading frame from glutamine 1063.
Molecular consequence: frameshift variant.
Genome position (GRCh38, 1-based): chr12:56,165,363, G duplicated on the plus strand (C on the coding strand, the reverse complement: SMARCC2 is on the minus strand); the first of 6 consecutive G bases (chr12:56,165,363-56,165,368); duplicating any one gives the same sequence. VCF-style (leftmost placement, unchanged base first): chr12-56165362-T-TG. GRCh37 (hg19) VCF-style: chr12-56559146-T-TG.
Other names: c.3187dup, p.Gln1063fs (NM_001130420.3, NM_139067.4); c.3094dup, p.Gln1032fs (NM_003075.5); short protein forms Q1032fs, Q1063fs.
Identifiers: ClinVar variation 4755671 (VCV004755671.1).

ClinVar aggregate classification (germline): Pathogenic (1 of 4 stars; one submission).

Submission:

GeneDx
Classification: Pathogenic. Last evaluated: 2025-08-08. Review status: criteria provided, single submitter. Criteria: GeneDx Variant Classification Process June 2021. Collection method: clinical testing. Allele origin: germline. Affected: yes.
Comment: Frameshift variant predicted to result in protein truncation or nonsense mediated decay in a gene for which loss of function is a known mechanism of disease; Not observed at significant frequency in large population cohorts (gnomAD); Has not been previously published as pathogenic or benign to our knowledge